The following is an entry in ClinVar:

NM_004415.4(DSP):c.7177_7178del (p.Lys2393fs)

Gene: DSP (desmoplakin; plus strand). Cytogenetic location: 6p24.3.
Variant type: Deletion.
Coding change: c.7177_7178del on transcript NM_004415.4 (MANE Select); coding-DNA positions 7177 to 7178, 2 bases deleted (AA; older notation c.7177_7178delAA).
Protein change: p.Lys2393fs; shifts the reading frame from lysine 2393.
Molecular consequence: frameshift variant.
Genome position (GRCh38, 1-based): chr6:7,584,439-7,584,440, AA deleted. VCF-style (leftmost placement, unchanged base first): chr6-7584438-TAA-T. GRCh37 (hg19) VCF-style: chr6-7584671-TAA-T.
Other names: c.5380_5381del, p.Lys1794fs (NM_001008844.3); c.5848_5849del, p.Lys1950fs (NM_001319034.2); short protein forms K1794fs, K1950fs, K2393fs.
Identifiers: ClinVar variation 3074191 (VCV003074191.3), dbSNP rs2533944330, ClinGen allele CA2825001487.

ClinVar aggregate classification (germline): Pathogenic/Likely pathogenic. Review status: criteria provided, multiple submitters, no conflicts (2 of 4 stars). 3 submissions from 3 submitters: Pathogenic (1); Likely pathogenic (2). Last evaluated 2024-11-27.

Conditions:
Cardiovascular phenotype. Identifiers: MedGen CN230736.
Cardiomyopathy (CMYO). Also called: Cardiomyopathies. Identifiers: Orphanet 167848, MedGen C0878544, MONDO:0004994, HP:0001638. Inheritance: Various modes of inheritance.
Arrhythmogenic cardiomyopathy with wooly hair and keratoderma. Also called: PALMOPLANTAR KERATODERMA WITH LEFT VENTRICULAR CARDIOMYOPATHY AND WOOLLY HAIR; Carvajal syndrome; Dilated cardiomyopathy with woolly hair and keratoderma; Arrhythmogenic cardiomyopathy with woolly hair and keratoderma. Identifiers: Orphanet 65282, MedGen C1854063, MONDO:0011581, OMIM 605676.

Submissions (3):

Ambry Genetics
Classification: Pathogenic for Cardiovascular phenotype. Last evaluated: 2024-11-27. Review status: criteria provided, single submitter. Criteria: Ambry Variant Classification Scheme 2023. Collection method: clinical testing. Allele origin: germline.
Comment: The c.7177_7178delAA pathogenic mutation, located in coding exon 24 of the DSP gene, results from a deletion of two nucleotides at nucleotide positions 7177 to 7178, causing a translational frameshift with a predicted alternate stop codon (p.K2393Efs*6). This alteration occurs at the 3' terminus of the DSP gene, is not expected to trigger nonsense-mediated mRNA decay, and impacts the last 16% of the protein. However, premature stop codons are typically deleterious in nature and the impacted region is critical for protein function (Ambry internal data). Alterations in DSP that result in haploinsufficiency or protein truncation have been reported in patients with arrhythmogenic right ventricular cardiomyopathy (ARVC) and dilated cardiomyopathy (DCM) (Fressart V et al. Europace. 2010;12(6):861-8; Elliott P et al. Circ Cardiovasc Genet. 2010;3(4):314-22; Quarta G et al. Circulation. 2011;123(23):2701-9; Garcia-Pavia P et al. Heart. 2011;97(21):1744-52; Rasmussen TB et al. Clin Genet. 2013;84(1):20-30; Pugh TJ et al. Genet Med. 2014;16(8):601-8). This variant is considered to be rare based on population cohorts in the Genome Aggregation Database (gnomAD). Based on the supporting evidence, this variant is interpreted as a disease-causing mutation.

Color Diagnostics, LLC DBA Color Health
Classification: Likely pathogenic for Cardiomyopathy. Last evaluated: 2024-02-29. Review status: criteria provided, single submitter. Criteria: ACMG Guidelines, 2015. Collection method: clinical testing. Allele origin: germline.
Comment: This variant deletes 2 nucleotides in exon 24 of the DSP gene, creating a frameshift and premature translation stop signal in the last exon. This variant is expected to result in an absent or non-functional protein product. Although functional studies have not been reported, this variant is expected to disrupt the plakin repeat domains B and C. Plakin repeat domains and downstream C-terminal sequence have been reported to be essential for interaction with intermediate filaments (PMID: 12101406, 21756917). In addition, truncating variants occurring downstream of this variant are known to be disease-causing (ClinVar variation ID: 923199, 429740). To our knowledge, this variant has not been reported in individuals affected with DSP-related disorders in the literature. This variant has not been identified in the general population by the Genome Aggregation Database (gnomAD). Based on the available evidence, this variant is classified as Likely Pathogenic.

All of Us Research Program, National Institutes of Health
Classification: Likely pathogenic for Arrhythmogenic cardiomyopathy with wooly hair and keratoderma. Last evaluated: 2024-01-04. Review status: criteria provided, single submitter. Criteria: ACMG Guidelines, 2015. Collection method: clinical testing. Allele origin: germline. Inheritance: Autosomal dominant inheritance. Observed: 1 variant allele, 1 heterozygote.
Comment: This variant creates a premature termination codon in the last exon. The transcribed mRNA is predicted to escape nonsense-mediated decay and result in protein truncation. Multiple downstream nonsense and frameshift variants have been reported as likely pathogenic or pathogenic (ClinVar, accessed 08 Jun 2023; PMID: 29165669). To date, this variant has not been reported in association with human disease in the medical literature. This variant is absent from large population databases, including the Genome Aggregation Database.

This study involves interpretation of variants in research participants for the purpose of population health screening. Participant phenotype was not available at the time of variant classification. Additional details can be found in publication PMID: 35346344, PMCID: PMC8962531

Literature cited by the submitters: PubMed 12101406 (cited by Color Diagnostics, LLC DBA Color Health); PubMed 21756917 (cited by Color Diagnostics, LLC DBA Color Health); PubMed 29165669 (cited by All of Us Research Program, National Institutes of Health).